The following is an entry in ClinVar:

ClinVar aggregate classification (germline): Uncertain significance. Review status: criteria provided, multiple submitters, no conflicts (2 of 4 stars). 2 submissions from 2 submitters: Uncertain significance (2). Last evaluated 2022-05-16.

Conditions:
Glomerulopathy with fibronectin deposits 2 (GFND2). Identifiers: Orphanet 84090, MedGen C1866075, MONDO:0011165, OMIM 601894.
Spondylometaphyseal dysplasia - Sutcliffe type. Also called: Spondylometaphyseal dysplasia, 'corner fracture' type; Spondylometaphyseal Dysplasia, Corner Fracture Type; Sutcliffe type of spondylometaphyseal dysplasia; Sutcliffe SMD. Identifiers: Orphanet 93315, MedGen C0432221, MONDO:0008479, OMIM 184255.

Allele frequency attached by ClinVar (database versions not stated): TOPMed 0.00001.

Submissions (2):

Fulgent Genetics
Classification: Uncertain significance for Spondylometaphyseal dysplasia - Sutcliffe type; Glomerulopathy with fibronectin deposits 2. Last evaluated: 2022-05-16. Review status: criteria provided, single submitter. Criteria: ACMG Guidelines, 2015. Collection method: clinical testing. Allele origin: unknown.

Labcorp Genetics (formerly Invitae), Labcorp
Classification: Uncertain significance. Last evaluated: 2021-10-10. Review status: criteria provided, single submitter. Criteria: Invitae Variant Classification Sherloc (09022015). Collection method: clinical testing. Allele origin: germline.
Comment: In summary, the available evidence is currently insufficient to determine the role of this variant in disease. Therefore, it has been classified as a Variant of Uncertain Significance. Algorithms developed to predict the effect of missense changes on protein structure and function are either unavailable or do not agree on the potential impact of this missense change (SIFT: "Not Available"; PolyPhen-2: "Probably Damaging"; Align-GVGD: "Not Available"). This variant has not been reported in the literature in individuals affected with FN1-related conditions. This variant is not present in population databases (ExAC no frequency). This sequence change replaces methionine with threonine at codon 494 of the FN1 protein (p.Met494Thr). The methionine residue is highly conserved and there is a moderate physicochemical difference between methionine and threonine.

NM_212482.4(FN1):c.1481T>C (p.Met494Thr)

Gene: FN1 (fibronectin 1; minus strand). Cytogenetic location: 2q35.
Variant type: single nucleotide variant.
Coding change: c.1481T>C on transcript NM_212482.4 (MANE Select); coding-DNA position 1481, T replaced by C.
Protein change: p.Met494Thr; replaces methionine 494 with threonine.
Molecular consequence: missense variant.
Genome position (GRCh38, 1-based): chr2:215,422,156, A>G on the plus strand (T>C on the coding strand, the complement: FN1 is on the minus strand). VCF-style: chr2-215422156-A-G. GRCh37 (hg19) VCF-style: chr2-216286879-A-G.
Other names: c.1481T>C, p.Met494Thr (NM_001365521.2, NM_001365522.2, NM_001365523.2 and 14 more transcripts); short protein forms M494T.
Identifiers: ClinVar variation 1388073 (VCV001388073.7), dbSNP rs2064511350, ClinGen allele CA350469193.